The following is an entry in ClinVar:

NM_001379081.2(FREM1):c.6454G>A (p.Val2152Ile)

Gene: FREM1 (FRAS1 related extracellular matrix 1; minus strand). Cytogenetic location: 9p22.3.
Variant type: single nucleotide variant.
Coding change: c.6454G>A on transcript NM_001379081.2 (MANE Select); coding-DNA position 6454, G replaced by A.
Protein change: p.Val2152Ile; replaces valine 2152 with isoleucine.
Molecular consequence: missense variant. On other transcripts: 3 prime UTR variant (1), non-coding transcript variant (3).
Genome position (GRCh38, 1-based): chr9:14,737,482, C>T on the plus strand (G>A on the coding strand, the complement: FREM1 is on the minus strand). VCF-style: chr9-14737482-C-T. GRCh37 (hg19) VCF-style: chr9-14737480-C-T.
Other names: c.2062G>A, p.Val688Ile (NM_001177704.3, NM_001370061.2); c.*65G>A (NM_001370058.2); c.6454G>A, p.Val2152Ile (NM_144966.7); short protein forms V2152I, V688I.
Identifiers: ClinVar variation 366101 (VCV000366101.11), dbSNP rs886063764, ClinGen allele CA10629722.

ClinVar aggregate classification (germline): Uncertain significance. Review status: criteria provided, multiple submitters, no conflicts (2 of 4 stars). 3 submissions from 3 submitters: Uncertain significance (3). Last evaluated 2024-06-13.

Conditions:
Oculotrichoanal syndrome (MOTA). Also called: MARLES SYNDROME; Manitoba Oculotrichoanal (MOTA) Syndrome. Identifiers: Orphanet 2717, MedGen C1855425, MONDO:0009560, OMIM 248450.
Trigonocephaly 2 (TRIGNO2). Identifiers: Orphanet 3366, MedGen C3280974, MONDO:0013774, OMIM 614485.
BNAR syndrome. Also called: Bifid Nose With or Without Anorectal and Renal Anomalies (BNAR) Syndrome. Identifiers: Orphanet 217266, MedGen C2750433, MONDO:0012165, OMIM 608980.

Allele frequency attached by ClinVar (database versions not stated): gnomAD exomes below 0.00001; TOPMed below 0.00001.
gnomAD v4.1: 1 of 1,613,836 alleles (0.000062%); highest among the groups gnomAD compares: Non-Finnish European, 0.000085%; no homozygotes.

Submissions (3):

Fulgent Genetics
Classification: Uncertain significance for Oculotrichoanal syndrome; BNAR syndrome; Trigonocephaly 2. Last evaluated: 2024-06-13. Review status: criteria provided, single submitter. Criteria: ACMG Guidelines, 2015. Collection method: clinical testing. Allele origin: germline.

Labcorp Genetics (formerly Invitae), Labcorp
Classification: Uncertain significance. Last evaluated: 2022-03-23. Review status: criteria provided, single submitter. Criteria: Invitae Variant Classification Sherloc (09022015). Collection method: clinical testing. Allele origin: germline.
Comment: This sequence change replaces valine, which is neutral and non-polar, with isoleucine, which is neutral and non-polar, at codon 2152 of the FREM1 protein (p.Val2152Ile). This variant is not present in population databases (gnomAD no frequency). This variant has not been reported in the literature in individuals affected with FREM1-related conditions. ClinVar contains an entry for this variant (Variation ID: 366101). Algorithms developed to predict the effect of missense changes on protein structure and function are either unavailable or do not agree on the potential impact of this missense change (SIFT: "Tolerated"; PolyPhen-2: "Possibly Damaging"; Align-GVGD: "Class C0"). In summary, the available evidence is currently insufficient to determine the role of this variant in disease. Therefore, it has been classified as a Variant of Uncertain Significance.

Illumina Laboratory Services, Illumina
Classification: Uncertain significance for Oculotrichoanal syndrome. Last evaluated: 2018-01-12. Review status: criteria provided, single submitter. Criteria: ICSL Variant Classification Criteria 13 December 2019. Collection method: clinical testing. Allele origin: germline.